The following is an entry in ClinVar:

ClinVar aggregate classification (germline): Uncertain significance (1 of 4 stars; one submission).

Conditions:
Long QT syndrome (LQTS). Identifiers: MedGen C0023976, MeSH D008133, MONDO:0002442. Disease mechanism: loss of function. Inheritance: Various modes of inheritance.

Submission:

Labcorp Genetics (formerly Invitae), Labcorp
Classification: Uncertain significance for Long QT syndrome. Last evaluated: 2025-09-18. Review status: criteria provided, single submitter. Criteria: Invitae Variant Classification Sherloc (09022015). Collection method: clinical testing. Allele origin: germline.
Comment: This sequence change replaces threonine, which is neutral and polar, with proline, which is neutral and non-polar, at codon 377 of the KCNQ1 protein (p.Thr377Pro). This variant is not present in population databases (gnomAD no frequency). This variant has not been reported in the literature in individuals affected with KCNQ1-related conditions. Invitae Evidence Modeling of protein sequence and biophysical properties (such as structural, functional, and spatial information, amino acid conservation, physicochemical variation, residue mobility, and thermodynamic stability) has been performed for this missense variant. However, the output from this modeling did not meet the statistical confidence thresholds required to predict the impact of this variant on KCNQ1 protein function. In summary, the available evidence is currently insufficient to determine the role of this variant in disease. Therefore, it has been classified as a Variant of Uncertain Significance.

NM_000218.3(KCNQ1):c.1129A>C (p.Thr377Pro)

Gene: KCNQ1 (potassium voltage-gated channel subfamily Q member 1; plus strand). Cytogenetic location: 11p15.5.
Variant type: single nucleotide variant.
Coding change: c.1129A>C on transcript NM_000218.3 (MANE Select); coding-DNA position 1129, A replaced by C.
Protein change: p.Thr377Pro; replaces threonine 377 with proline.
Molecular consequence: missense variant.
Genome position (GRCh38, 1-based): chr11:2,587,570, A>C. VCF-style: chr11-2587570-A-C. GRCh37 (hg19) VCF-style: chr11-2608800-A-C.
Other names: c.1033A>C, p.Thr345Pro (NM_001406836.1); c.859A>C, p.Thr287Pro (NM_001406837.1); c.589A>C, p.Thr197Pro (NM_001406838.1); c.748A>C, p.Thr250Pro (NM_181798.2); short protein forms T197P, T345P, T250P, T287P, T377P.
Identifiers: ClinVar variation 4709535 (VCV004709535.1).